The following is an entry in ClinVar:

NM_152703.5(SAMD9L):c.1184G>A (p.Gly395Glu)

Gene: SAMD9L (sterile alpha motif domain containing 9 like; minus strand). Cytogenetic location: 7q21.2.
Variant type: single nucleotide variant.
Coding change: c.1184G>A on transcript NM_152703.5 (MANE Select); coding-DNA position 1184, G replaced by A.
Protein change: p.Gly395Glu; replaces glycine 395 with glutamic acid.
Molecular consequence: missense variant.
Genome position (GRCh38, 1-based): chr7:93,134,788, C>T on the plus strand (G>A on the coding strand, the complement: SAMD9L is on the minus strand). VCF-style: chr7-93134788-C-T. GRCh37 (hg19) VCF-style: chr7-92764101-C-T.
Other names: c.1184G>A, p.Gly395Glu (NM_001350085.2, NM_001350083.2, NM_001350084.2 and 5 more transcripts); short protein forms G395E.
Identifiers: ClinVar variation 4842023 (VCV004842023.1).
Genomic context (GRCh38, chr7:93,134,788, plus strand): 5'-TCATAGTATGAATTATCCAGTGAGTCTCGGTTTCCTATGAGAAGTTTAACCAGCTTTAGT[C>T]CTTCACTCTCCTTCTTCATTGCCTTCATTCCATACTCTTCTTCAGCCTCTTTTCTAGATG-3'
Protein context (NP_689916.2, residues 385-405): GMKAMKKESE[Gly395Glu]LKLVKLLIGN

ClinVar aggregate classification (germline): Uncertain significance (1 of 4 stars; one submission).

Conditions:
Inborn genetic diseases. Identifiers: MedGen C0950123, MeSH D030342.

gnomAD v4.1: 5 of 1,612,446 alleles (0.00031%); highest among the groups gnomAD compares: Non-Finnish European, 0.00034%; no homozygotes.

Submission:

Ambry Genetics
Classification: Uncertain significance for Inborn genetic diseases. Last evaluated: 2025-12-28. Review status: criteria provided, single submitter. Criteria: Ambry Variant Classification Scheme 2023. Collection method: clinical testing. Allele origin: germline.
Comment: The p.G395E variant (also known as c.1184G>A), located in coding exon 1 of the SAMD9L gene, results from a G to A substitution at nucleotide position 1184. The glycine at codon 395 is replaced by glutamic acid, an amino acid with similar properties. This amino acid position is conserved. In addition, this alteration is predicted to be tolerated by in silico analysis. Based on the available evidence, the clinical significance of this variant remains unclear.